The following is an entry in ClinVar:

ClinVar aggregate classification (germline): Uncertain significance (1 of 4 stars; one submission).

Conditions:
Luscan-Lumish syndrome. Identifiers: Orphanet 597738, MedGen C4085873, MONDO:0014791, OMIM 616831.

Allele frequency attached by ClinVar (database versions not stated): gnomAD exomes below 0.00001; ExAC 0.00001.
gnomAD v4.1: 2 of 1,614,200 alleles (0.00012%); highest among the groups gnomAD compares: Non-Finnish European, 0.00017%; no homozygotes.

Submission:

Labcorp Genetics (formerly Invitae), Labcorp
Classification: Uncertain significance for Luscan-Lumish syndrome. Last evaluated: 2023-09-19. Review status: criteria provided, single submitter. Criteria: Invitae Variant Classification Sherloc (09022015). Collection method: clinical testing. Allele origin: germline.
Comment: In summary, the available evidence is currently insufficient to determine the role of this variant in disease. Therefore, it has been classified as a Variant of Uncertain Significance. This sequence change replaces glutamic acid, which is acidic and polar, with glutamine, which is neutral and polar, at codon 2234 of the SETD2 protein (p.Glu2234Gln). This variant is not present in population databases (gnomAD no frequency). This variant has not been reported in the literature in individuals affected with SETD2-related conditions. An algorithm developed to predict the effect of missense changes on protein structure and function (PolyPhen-2) suggests that this variant is likely to be disruptive.

NM_014159.7(SETD2):c.6700G>C (p.Glu2234Gln)

Gene: SETD2 (SET domain containing 2, histone lysine methyltransferase; minus strand). Cytogenetic location: 3p21.31.
Variant type: single nucleotide variant.
Coding change: c.6700G>C on transcript NM_014159.7 (MANE Select); coding-DNA position 6700, G replaced by C.
Protein change: p.Glu2234Gln; replaces glutamic acid 2234 with glutamine.
Molecular consequence: missense variant. On other transcripts: non-coding transcript variant (1).
Genome position (GRCh38, 1-based): chr3:47,057,084, C>G on the plus strand (G>C on the coding strand, the complement: SETD2 is on the minus strand). VCF-style: chr3-47057084-C-G. GRCh37 (hg19) VCF-style: chr3-47098574-C-G.
Other names: c.6568G>C, p.Glu2190Gln (NM_001349370.3); short protein forms E2190Q, E2234Q.
Identifiers: ClinVar variation 2892329 (VCV002892329.3), dbSNP rs754699948, ClinGen allele CA2362677.